The following is an entry in ClinVar:

ClinVar aggregate classification (germline): Conflicting classifications of pathogenicity. Review status: criteria provided, conflicting classifications (1 of 4 stars). 2 submissions from 2 submitters: Pathogenic (1); Uncertain significance (1). Last evaluated 2024-04-25.

Conditions:
RYR1-related disorder. Also called: RYR1-related disorders; RYR1-related condition. Identifiers: MedGen CN239331.
Malignant hyperthermia, susceptibility to, 1 (MHS1). Also called: Anesthesia related hyperthermia; Malignant hyperpyrexia; Fulminating hyperpyrexia; Pharmacogenic myopathy; RYR1-Related Malignant Hyperthermia Susceptibility; Malignant hyperthermia suceptibility 1. Identifiers: Orphanet 423, MedGen C2930980, MONDO:0007783, OMIM 145600.

Submissions (2):

All of Us Research Program, National Institutes of Health
Classification: Uncertain significance for Malignant hyperthermia, susceptibility to, 1. Last evaluated: 2024-04-25. Review status: criteria provided, single submitter. Criteria: ACMG Guidelines, 2015. Collection method: clinical testing. Allele origin: germline. Inheritance: Autosomal dominant inheritance. Observed: 1 variant allele, 1 heterozygote.
Comment: This variant deletes 1 nucleotide in exon 73 of the RYR1 gene, creating a frameshift and premature translation stop signal. This variant is expected to result in an absent or non-functional protein product. Loss of RYR1 function due to truncation variants is not an established disease mechanism for autosomal dominant malignant hyperthermia, although it is associated with other phenotype(s) (ClinVar variation ID: 848041). This variant has not been identified in the general population by the Genome Aggregation Database (gnomAD). Due to insufficient evidence, this variant is classified as a Variant of Uncertain Significance for autosomal dominant malignant hyperthermia.

This study involves interpretation of variants in research participants for the purpose of population health screening. Participant phenotype was not available at the time of variant classification. Additional details can be found in publication PMID: 35346344, PMCID: PMC8962531

Labcorp Genetics (formerly Invitae), Labcorp
Classification: Pathogenic for RYR1-related disorder. Last evaluated: 2019-12-13. Review status: criteria provided, single submitter. Criteria: Invitae Variant Classification Sherloc (09022015). Collection method: clinical testing. Allele origin: germline.
Comment: For these reasons, this variant has been classified as Pathogenic. Loss-of-function variants in RYR1 are known to be pathogenic (PMID: 20583297, 20839240, 23919265, 28818389). This variant has not been reported in the literature in individuals with RYR1-related conditions. This variant is not present in population databases (ExAC no frequency). This sequence change creates a premature translational stop signal (p.Pro3567Argfs*72) in the RYR1 gene. It is expected to result in an absent or disrupted protein product.

Literature cited by the submitters: PubMed 20583297 (cited by Labcorp Genetics (formerly Invitae), Labcorp); PubMed 20839240 (cited by Labcorp Genetics (formerly Invitae), Labcorp); PubMed 23919265 (cited by Labcorp Genetics (formerly Invitae), Labcorp); PubMed 28818389 (cited by Labcorp Genetics (formerly Invitae), Labcorp).

NM_000540.3(RYR1):c.10700del (p.Pro3567fs)

Gene: RYR1 (ryanodine receptor 1; plus strand). Cytogenetic location: 19q13.2.
Variant type: Deletion.
Coding change: c.10700del on transcript NM_000540.3 (MANE Select); coding-DNA position 10700, one base deleted (C; older notation c.10700delC).
Protein change: p.Pro3567fs; shifts the reading frame from proline 3567.
Molecular consequence: frameshift variant.
Genome position (GRCh38, 1-based): chr19:38,527,660, C deleted; the last of 4 consecutive C bases (chr19:38,527,657-38,527,660); deleting any one gives the same sequence. VCF-style (leftmost placement, unchanged base first): chr19-38527656-TC-T. GRCh37 (hg19) VCF-style: chr19-39018296-TC-T.
Other names: c.10685del, p.Pro3562fs (NM_001042723.2); short protein forms P3567fs, P3562fs.
Identifiers: ClinVar variation 848041 (VCV000848041.8), dbSNP rs1971528310, ClinGen allele CA916082464.